The following is an entry in ClinVar:

Conditions:
Breast-ovarian cancer, familial, susceptibility to, 1 (BROVCA1). Also called: BRCA1 Hereditary Breast and Ovarian Cancer; OVARIAN CANCER, SUSCEPTIBILITY TO. Identifiers: Orphanet 145, MedGen C2676676, MONDO:0011450, OMIM 604370. Disease mechanism: loss of function.

Submission:

Brotman Baty Institute, University of Washington
No classification provided (evidence only). Condition: Breast-ovarian cancer, familial 1. Review status: no classification provided. Collection method: in vitro. Allele origin: not applicable. Functional consequence: functionally_abnormal.
ClinVar note: "not provided" was previously submitted as the classification for the variant. However, the classification appeared to be based only on an observation of functional data so it was converted to no classification on 2025-07-30.

NM_007294.4(BRCA1):c.213-5T>G

Gene: BRCA1 (BRCA1 DNA repair associated; minus strand). Cytogenetic location: 17q21.31.
Variant type: single nucleotide variant.
Coding change: c.213-5T>G on transcript NM_007294.4 (MANE Select); 5 bases into the intron before coding-DNA position 213, T replaced by G.
Molecular consequence: intron variant.
Genome position (GRCh38, 1-based): chr17:43,104,961, A>C on the plus strand (T>G on the coding strand, the complement: BRCA1 is on the minus strand). VCF-style: chr17-43104961-A-C. GRCh37 (hg19) VCF-style: chr17-41256978-A-C.
Other names: c.72-5T>G (NM_001408458.1, NM_001407931.1, NM_001407747.1 and 99 more transcripts); c.-218-10101T>G (NM_001407967.1, NM_001407966.1); c.-169-5T>G (NM_001407959.1, NM_001407962.1, NM_001408512.1 and 4 more transcripts); c.3-5T>G (NM_001407885.1, NM_001407886.1, NM_001407898.1 and 58 more transcripts); c.213-5T>G (NM_001407686.1, NM_001408397.1, NM_001407632.1 and 167 more transcripts); c.81-5T>G (NM_001408451.1); c.135-5T>G (NM_001408475.1, NM_001407875.1, NM_001407659.1 and 21 more transcripts).
Identifiers: ClinVar variation 865560 (VCV000865560.3), dbSNP rs886038196, ClinGen allele CA916080849.